The following is an entry in ClinVar:

NM_153747.2(PIGC):c.308T>C (p.Ile103Thr)

Genes: C1orf105 (chromosome 1 open reading frame 105; plus strand), PIGC (phosphatidylinositol glycan anchor biosynthesis class C; minus strand). Cytogenetic location: 1q24.3.
Variant type: single nucleotide variant.
Coding change: c.308T>C on transcript NM_153747.2 (MANE Select); coding-DNA position 308, T replaced by C.
Protein change: p.Ile103Thr; replaces isoleucine 103 with threonine.
Molecular consequence: missense variant. On other transcripts: intron variant (1).
Genome position (GRCh38, 1-based): chr1:172,442,315, A>G on the plus strand (T>C on the coding strand, the complement: PIGC is on the minus strand). VCF-style: chr1-172442315-A-G. GRCh37 (hg19) VCF-style: chr1-172411455-A-G.
Other names: c.308T>C, p.Ile103Thr (NM_002642.4); c.22-2758A>G (NM_139240.4); short protein forms I103T.
Identifiers: ClinVar variation 1029615 (VCV001029615.3), dbSNP rs61747503, ClinGen allele CA1245991.

ClinVar aggregate classification (germline): Uncertain significance. Review status: criteria provided, multiple submitters, no conflicts (2 of 4 stars). 2 submissions from 2 submitters: Uncertain significance (2). Last evaluated 2022-05-30.

Conditions:
Glycosylphosphatidylinositol biosynthesis defect 16. Also called: MENTAL RETARDATION, AUTOSOMAL RECESSIVE 62. Identifiers: MedGen C4540521, MONDO:0040500, OMIM 617816.

Allele frequency attached by ClinVar (database versions not stated): ESP Exome Variant Server 0.00015; ExAC 0.00021; gnomAD 0.00027 and 0.00031; TOPMed 0.00028; gnomAD exomes 0.00030.
gnomAD v4.1: 815 of 1,613,278 alleles (0.051%); highest among the groups gnomAD compares: Non-Finnish European, 0.063%; no homozygotes.

Submissions (2):

Labcorp Genetics (formerly Invitae), Labcorp
Classification: Uncertain significance. Last evaluated: 2022-05-30. Review status: criteria provided, single submitter. Criteria: Invitae Variant Classification Sherloc (09022015). Collection method: clinical testing. Allele origin: germline.
Comment: This sequence change replaces isoleucine, which is neutral and non-polar, with threonine, which is neutral and polar, at codon 103 of the PIGC protein (p.Ile103Thr). This variant is present in population databases (rs61747503, gnomAD 0.04%). This variant has not been reported in the literature in individuals affected with PIGC-related conditions. ClinVar contains an entry for this variant (Variation ID: 1029615). Algorithms developed to predict the effect of missense changes on protein structure and function are either unavailable or do not agree on the potential impact of this missense change (SIFT: "Deleterious"; PolyPhen-2: "Benign"; Align-GVGD: "Class C0"). In summary, the available evidence is currently insufficient to determine the role of this variant in disease. Therefore, it has been classified as a Variant of Uncertain Significance.

Baylor Genetics
Classification: Uncertain significance for Glycosylphosphatidylinositol biosynthesis defect 16. Last evaluated: 2019-02-14. Review status: criteria provided, single submitter. Criteria: ACMG Guidelines, 2015. Collection method: clinical testing. Allele origin: maternal. Affected: yes.
Comment: This variant was determined to be of uncertain significance according to ACMG Guidelines, 2015 [PMID:25741868].